The following is an entry in ClinVar:

NM_001374353.1(GLI2):c.1522C>T (p.Arg508Trp)

Gene: GLI2 (GLI family zinc finger 2; plus strand). Cytogenetic location: 2q14.2.
Variant type: single nucleotide variant.
Coding change: c.1522C>T on transcript NM_001374353.1 (MANE Select); coding-DNA position 1522, C replaced by T.
Protein change: p.Arg508Trp; replaces arginine 508 with tryptophan.
Molecular consequence: missense variant.
Genome position (GRCh38, 1-based): chr2:120,982,770, C>T. VCF-style: chr2-120982770-C-T. GRCh37 (hg19) VCF-style: chr2-121740346-C-T.
Other names: c.1573C>T, p.Arg525Trp (NM_001371271.1, NM_005270.5); c.1147C>T, p.Arg383Trp (NM_001374354.1); short protein forms R383W, R508W, R525W.
Identifiers: ClinVar variation 1200029 (VCV001200029.5), dbSNP rs2105064291, ClinGen allele CA348162114.

ClinVar aggregate classification (germline): Uncertain significance. Review status: criteria provided, multiple submitters, no conflicts (2 of 4 stars). 3 submissions from 3 submitters: Uncertain significance (3). Last evaluated 2026-03-03.

Conditions:
Postaxial polydactyly-anterior pituitary anomalies-facial dysmorphism syndrome. Also called: Culler-Jones syndrome. Identifiers: Orphanet 420584, MedGen C4014479, MONDO:0014369, OMIM 615849.
Holoprosencephaly 9 (HPE9). Also called: HOLOPROSENCEPHALY WITH MICROPHTHALMIA AND FIRST BRANCHIAL ARCH ANOMALIES; PITUITARY ANOMALIES WITH HOLOPROSENCEPHALY-LIKE FEATURES. Identifiers: Orphanet 2162, MedGen C1835819, MONDO:0012563, OMIM 610829.
Inborn genetic diseases. Identifiers: MedGen C0950123, MeSH D030342.

Allele frequency attached by ClinVar (database versions not stated): gnomAD exomes below 0.00001.
gnomAD v4.1: 3 of 1,613,878 alleles (0.00019%); highest among the groups gnomAD compares: Non-Finnish European, 0.00025%; no homozygotes.

Submissions (3):

Ambry Genetics
Classification: Uncertain significance for Inborn genetic diseases. Last evaluated: 2026-03-03. Review status: criteria provided, single submitter. Criteria: Ambry Variant Classification Scheme 2023. Collection method: clinical testing. Allele origin: germline.

Labcorp Genetics (formerly Invitae), Labcorp
Classification: Uncertain significance for Postaxial polydactyly-anterior pituitary anomalies-facial dysmorphism syndrome; Holoprosencephaly 9. Last evaluated: 2025-07-31. Review status: criteria provided, single submitter. Criteria: Invitae Variant Classification Sherloc (09022015). Collection method: clinical testing. Allele origin: germline.
Comment: This sequence change replaces arginine, which is basic and polar, with tryptophan, which is neutral and slightly polar, at codon 525 of the GLI2 protein (p.Arg525Trp). This variant is not present in population databases (gnomAD no frequency). This variant has not been reported in the literature in individuals affected with GLI2-related conditions. ClinVar contains an entry for this variant (Variation ID: 1200029). Invitae Evidence Modeling of protein sequence and biophysical properties (such as structural, functional, and spatial information, amino acid conservation, physicochemical variation, residue mobility, and thermodynamic stability) indicates that this missense variant is expected to disrupt GLI2 protein function with a positive predictive value of 80%. In summary, the available evidence is currently insufficient to determine the role of this variant in disease. Therefore, it has been classified as a Variant of Uncertain Significance.

GeneDx
Classification: Uncertain significance. Last evaluated: 2021-03-16. Review status: criteria provided, single submitter. Criteria: GeneDx Variant Classification Process June 2021. Collection method: clinical testing. Allele origin: germline. Affected: yes.
Comment: Not observed in large population cohorts (Lek et al., 2016); In silico analysis, which includes protein predictors and evolutionary conservation, supports a deleterious effect; Has not been previously published as pathogenic or benign to our knowledge